The following is an entry in ClinVar:

NM_000784.4(CYP27A1):c.877A>T (p.Met293Leu)

Gene: CYP27A1 (cytochrome P450 family 27 subfamily A member 1; plus strand). Cytogenetic location: 2q35.
Variant type: single nucleotide variant.
Coding change: c.877A>T on transcript NM_000784.4 (MANE Select); coding-DNA position 877, A replaced by T.
Protein change: p.Met293Leu; replaces methionine 293 with leucine.
Molecular consequence: missense variant.
Genome position (GRCh38, 1-based): chr2:218,812,956, A>T. VCF-style: chr2-218812956-A-T. GRCh37 (hg19) VCF-style: chr2-219677679-A-T.
Other names: short protein forms M293L.
Identifiers: ClinVar variation 1521815 (VCV001521815.7), dbSNP rs1412455358, ClinGen allele CA350588118.

ClinVar aggregate classification (germline): Uncertain significance. Review status: criteria provided, multiple submitters, no conflicts (2 of 4 stars). 3 submissions from 3 submitters: Uncertain significance (3). Last evaluated 2025-09-24.

Conditions:
Cholestanol storage disease (CTX). Also called: CEREBRAL CHOLESTERINOSIS; CTX: Cerebrotendinous xanthomatosis; Cerebrotendinous Xanthomatosis. Identifiers: Orphanet 909, MedGen C0238052, MONDO:0008948, OMIM 213700.

Allele frequency attached by ClinVar (database versions not stated): gnomAD exomes 0.00001; TOPMed 0.00001.

Submissions (3):

Genesolutions, Medical Genetics Institutes, Ho Chi Minh City, Vietnam
Classification: Uncertain significance for Cholestanol storage disease. Last evaluated: 2025-09-24. Review status: criteria provided, single submitter. Criteria: ACMG Guidelines, 2015. Collection method: clinical testing. Allele origin: germline. Affected: yes.

Labcorp Genetics (formerly Invitae), Labcorp
Classification: Uncertain significance for Cholestanol storage disease. Last evaluated: 2024-06-04. Review status: criteria provided, single submitter. Criteria: Invitae Variant Classification Sherloc (09022015). Collection method: clinical testing. Allele origin: germline.
Comment: This sequence change replaces methionine, which is neutral and non-polar, with leucine, which is neutral and non-polar, at codon 293 of the CYP27A1 protein (p.Met293Leu). This variant is not present in population databases (gnomAD no frequency). This variant has not been reported in the literature in individuals affected with CYP27A1-related conditions. ClinVar contains an entry for this variant (Variation ID: 1521815). Advanced modeling of protein sequence and biophysical properties (such as structural, functional, and spatial information, amino acid conservation, physicochemical variation, residue mobility, and thermodynamic stability) performed at Invitae indicates that this missense variant is not expected to disrupt CYP27A1 protein function with a negative predictive value of 95%. In summary, the available evidence is currently insufficient to determine the role of this variant in disease. Therefore, it has been classified as a Variant of Uncertain Significance.

Blueprint Genetics
Classification: Uncertain significance. Last evaluated: 2023-10-06. Review status: criteria provided, single submitter. Criteria: ACMG Guidelines, 2015. Collection method: clinical testing. Allele origin: germline.